The following is an entry in ClinVar:

NM_014694.4(ADAMTSL2):c.840A>T (p.Ala280=)

Gene: ADAMTSL2 (ADAMTS like 2; plus strand). Cytogenetic location: 9q34.2.
Variant type: single nucleotide variant.
Coding change: c.840A>T on transcript NM_014694.4 (MANE Select); coding-DNA position 840, A replaced by T.
Protein change: p.Ala280=; no amino-acid change (alanine 280 retained).
Molecular consequence: synonymous variant.
Genome position (GRCh38, 1-based): chr9:133,547,114, A>T. VCF-style: chr9-133547114-A-T. GRCh37 (hg19) VCF-style: chr9-136412236-A-T.
Other names: c.840A>T, p.Ala280= (NM_001145320.2).
Identifiers: ClinVar variation 365582 (VCV000365582.15), dbSNP rs2073875, ClinGen allele CA5312779.
Genomic context (GRCh38, chr9:133,547,114, plus strand): 5'-TGGCTACTACTTCTTCAACGGCAACTACAAGGTGGACAGCCCCAAGAACTTCAACATCGC[A>T]GGCACGGTGGTCAAGTACAGGCGGCCCATGGATGTCTATGAGACCGGAATCGAGTACATC-3'
Protein context (NP_055509.2, residues 270-290): KVDSPKNFNI[Ala280=]GTVVKYRRPM

ClinVar aggregate classification (germline): Benign. Review status: criteria provided, multiple submitters, no conflicts (2 of 4 stars). 9 submissions from 9 submitters: Benign (6). 3 of the submissions do not count toward it. Last evaluated 2026-05-08.

Conditions:
Geleophysic dysplasia 1 (GPHYSD1). Also called: Geleophysic dwarfism. Identifiers: Orphanet 2623, MedGen C3278147, MONDO:0009269, OMIM 231050.

Allele frequency attached by ClinVar (database versions not stated): gnomAD 0.84433 and 0.85265; ESP Exome Variant Server 0.87552; gnomAD exomes 0.88580 and 0.81349; 1000 Genomes Project 0.72464; 1000 Genomes Project 30x 0.73345; ExAC 0.81968; TOPMed 0.83090.
gnomAD v4.1: 1,422,414 of 1,613,988 alleles (88%); highest among the groups gnomAD compares: Non-Finnish European, 92%; 634,369 homozygotes.

Submissions (9):

Women's Health and Genetics/Laboratory Corporation of America, LabCorp
Classification: Benign. Last evaluated: 2026-05-08. Review status: criteria provided, single submitter. Criteria: LabCorp Variant Classification Summary - May 2015. Collection method: clinical testing. Allele origin: germline.

Blueprint Genetics
Classification: Benign. Last evaluated: 2024-11-27. Review status: criteria provided, single submitter. Criteria: ACMG Guidelines, 2015. Collection method: clinical testing. Allele origin: germline.

Genome-Nilou Lab
Classification: Benign for Geleophysic dysplasia 1. Last evaluated: 2021-07-14. Review status: criteria provided, single submitter. Criteria: ACMG Guidelines, 2015. Collection method: clinical testing. Allele origin: germline. Affected: no.

GeneDx
Classification: Benign. Last evaluated: 2018-06-13. Review status: criteria provided, single submitter. Criteria: GeneDx Variant Classification (06012015). Collection method: clinical testing. Allele origin: germline. Affected: yes.
Comment: This variant is considered likely benign or benign based on one or more of the following criteria: it is a conservative change, it occurs at a poorly conserved position in the protein, it is predicted to be benign by multiple in silico algorithms, and/or has population frequency not consistent with disease.

Illumina Laboratory Services, Illumina
Classification: Benign for Geleophysic dysplasia 1. Last evaluated: 2018-01-13. Review status: criteria provided, single submitter. Criteria: ICSL Variant Classification Criteria 13 December 2019. Collection method: clinical testing. Allele origin: germline.
Comment: This variant was observed in the ICSL laboratory as part of a predisposition screen in an ostensibly healthy population. It had not been previously curated by ICSL or reported in the Human Gene Mutation Database (HGMD: prior to June 1st, 2018), and was therefore a candidate for classification through an automated scoring system. Utilizing variant allele frequency, disease prevalence and penetrance estimates, and inheritance mode, an automated score was calculated to assess if this variant is too frequent to cause the disease. Based on the score and internal cut-off values, a variant classified as benign is not then subjected to further curation. The score for this variant resulted in a classification of benign for this disease.

Breakthrough Genomics
Classification: Benign. Review status: criteria provided, single submitter. Criteria: ACMG Guidelines, 2015. Collection method: not provided. Allele origin: germline. Inheritance: Autosomal recessive inheritance. Affected: yes.

Diagnostic Laboratory, Department of Genetics, University Medical Center Groningen
Classification: Benign for Geleophysic dysplasia 1. Review status: no assertion criteria provided. Collection method: clinical testing. Allele origin: germline. Affected: yes. Study: VKGL Data-share Consensus. Not counted in ClinVar's aggregate classification.

Genome Diagnostics Laboratory, Amsterdam University Medical Center
Classification: Benign. Review status: no assertion criteria provided. Collection method: clinical testing. Allele origin: germline. Affected: yes. Study: VKGL Data-share Consensus. Not counted in ClinVar's aggregate classification.

Joint Genome Diagnostic Labs from Nijmegen and Maastricht, Radboudumc and MUMC+
Classification: Benign. Review status: no assertion criteria provided. Collection method: clinical testing. Allele origin: germline. Affected: yes. Study: VKGL Data-share Consensus. Not counted in ClinVar's aggregate classification.